The following is an entry in ClinVar:

NM_139242.4(MTFMT):c.98G>A (p.Gly33Asp)

Gene: MTFMT (mitochondrial methionyl-tRNA formyltransferase; minus strand). Cytogenetic location: 15q22.31.
Variant type: single nucleotide variant.
Coding change: c.98G>A on transcript NM_139242.4 (MANE Select); coding-DNA position 98, G replaced by A.
Protein change: p.Gly33Asp; replaces glycine 33 with aspartic acid.
Molecular consequence: missense variant.
Genome position (GRCh38, 1-based): chr15:65,029,516, C>T on the plus strand (G>A on the coding strand, the complement: MTFMT is on the minus strand). VCF-style: chr15-65029516-C-T. GRCh37 (hg19) VCF-style: chr15-65321854-C-T.
Other names: c.98G>A (NM_139242.3); short protein forms G33D.
Identifiers: ClinVar variation 1447385 (VCV001447385.7), dbSNP rs748428182, ClinGen allele CA271504775.

ClinVar aggregate classification (germline): Uncertain significance. Review status: criteria provided, multiple submitters, no conflicts (2 of 4 stars). 2 submissions from 2 submitters: Uncertain significance (2). Last evaluated 2025-05-05.

Conditions:
Inborn genetic diseases. Identifiers: MedGen C0950123, MeSH D030342.

Allele frequency attached by ClinVar (database versions not stated): gnomAD exomes 0.00003.
gnomAD v4.1: 30 of 1,529,774 alleles (0.002%); highest among the groups gnomAD compares: Non-Finnish European, 0.0024%; no homozygotes.

Submissions (2):

Labcorp Genetics (formerly Invitae), Labcorp
Classification: Uncertain significance. Last evaluated: 2025-05-05. Review status: criteria provided, single submitter. Criteria: Invitae Variant Classification Sherloc (09022015). Collection method: clinical testing. Allele origin: germline.
Comment: This sequence change replaces glycine, which is neutral and non-polar, with aspartic acid, which is acidic and polar, at codon 33 of the MTFMT protein (p.Gly33Asp). The frequency data for this variant in the population databases is considered unreliable, as metrics indicate poor data quality at this position in the gnomAD database. This variant has not been reported in the literature in individuals affected with MTFMT-related conditions. ClinVar contains an entry for this variant (Variation ID: 1447385). Invitae Evidence Modeling of protein sequence and biophysical properties (such as structural, functional, and spatial information, amino acid conservation, physicochemical variation, residue mobility, and thermodynamic stability) indicates that this missense variant is not expected to disrupt MTFMT protein function with a negative predictive value of 95%. In summary, the available evidence is currently insufficient to determine the role of this variant in disease. Therefore, it has been classified as a Variant of Uncertain Significance.

Ambry Genetics
Classification: Uncertain significance for Inborn genetic diseases. Last evaluated: 2025-02-10. Review status: criteria provided, single submitter. Criteria: Ambry Variant Classification Scheme 2023. Collection method: clinical testing. Allele origin: germline.